The following is an entry in ClinVar:

ClinVar aggregate classification (germline): Uncertain significance (1 of 4 stars; one submission).

Submission:

Labcorp Genetics (formerly Invitae), Labcorp
Classification: Uncertain significance. Last evaluated: 2024-01-08. Review status: criteria provided, single submitter. Criteria: Invitae Variant Classification Sherloc (09022015). Collection method: clinical testing. Allele origin: germline.
Comment: This sequence change replaces serine, which is neutral and polar, with isoleucine, which is neutral and non-polar, at codon 237 of the NDUFS3 protein (p.Ser237Ile). This variant is not present in population databases (gnomAD no frequency). This variant has not been reported in the literature in individuals affected with NDUFS3-related conditions. ClinVar contains an entry for this variant (Variation ID: 2112488). Advanced modeling of protein sequence and biophysical properties (such as structural, functional, and spatial information, amino acid conservation, physicochemical variation, residue mobility, and thermodynamic stability) performed at Invitae indicates that this missense variant is expected to disrupt NDUFS3 protein function with a positive predictive value of 80%. In summary, the available evidence is currently insufficient to determine the role of this variant in disease. Therefore, it has been classified as a Variant of Uncertain Significance.

NM_004551.3(NDUFS3):c.710G>T (p.Ser237Ile)

Gene: NDUFS3 (NADH:ubiquinone oxidoreductase core subunit S3; plus strand). Cytogenetic location: 11p11.2.
Variant type: single nucleotide variant.
Coding change: c.710G>T on transcript NM_004551.3 (MANE Select); coding-DNA position 710, G replaced by T.
Protein change: p.Ser237Ile; replaces serine 237 with isoleucine.
Molecular consequence: missense variant.
Genome position (GRCh38, 1-based): chr11:47,584,396, G>T. VCF-style: chr11-47584396-G-T. GRCh37 (hg19) VCF-style: chr11-47605948-G-T.
Other names: short protein forms S237I.
Identifiers: ClinVar variation 2112488 (VCV002112488.4), dbSNP rs2509733790, ClinGen allele CA380362794.